The following is an entry in ClinVar:

ClinVar aggregate classification (germline): Uncertain significance (1 of 4 stars; one submission).

Submission:

Labcorp Genetics (formerly Invitae), Labcorp
Classification: Uncertain significance. Last evaluated: 2025-12-21. Review status: criteria provided, single submitter. Criteria: Invitae Variant Classification Sherloc (09022015). Collection method: clinical testing. Allele origin: germline.
Comment: This sequence change replaces arginine, which is basic and polar, with cysteine, which is neutral and slightly polar, at codon 234 of the KRT6B protein (p.Arg234Cys). This variant is present in population databases (rs753409446, gnomAD 0.007%). This variant has not been reported in the literature in individuals affected with KRT6B-related conditions. Invitae Evidence Modeling of protein sequence and biophysical properties (such as structural, functional, and spatial information, amino acid conservation, physicochemical variation, residue mobility, and thermodynamic stability) indicates that this missense variant is not expected to disrupt KRT6B protein function with a negative predictive value of 80%. In summary, the available evidence is currently insufficient to determine the role of this variant in disease. Therefore, it has been classified as a Variant of Uncertain Significance.

NM_005555.4(KRT6B):c.700C>T (p.Arg234Cys)

Gene: KRT6B (keratin 6B; minus strand). Cytogenetic location: 12q13.13.
Variant type: single nucleotide variant.
Coding change: c.700C>T on transcript NM_005555.4 (MANE Select); coding-DNA position 700, C replaced by T.
Protein change: p.Arg234Cys; replaces arginine 234 with cysteine.
Molecular consequence: missense variant.
Genome position (GRCh38, 1-based): chr12:52,450,461, G>A on the plus strand (C>T on the coding strand, the complement: KRT6B is on the minus strand). VCF-style: chr12-52450461-G-A. GRCh37 (hg19) VCF-style: chr12-52844245-G-A.
Other names: short protein forms R234C.
Identifiers: ClinVar variation 4751795 (VCV004751795.1).